The following is an entry in ClinVar:

NM_001174089.2(SLC4A11):c.1341G>A (p.Thr447=)

Gene: SLC4A11 (solute carrier family 4 member 11; minus strand). Cytogenetic location: 20p13.
Variant type: single nucleotide variant.
Coding change: c.1341G>A on transcript NM_001174089.2 (MANE Select); coding-DNA position 1341, G replaced by A.
Protein change: p.Thr447=; no amino-acid change (threonine 447 retained).
Molecular consequence: synonymous variant. On other transcripts: non-coding transcript variant (1).
Genome position (GRCh38, 1-based): chr20:3,230,589, C>T on the plus strand (G>A on the coding strand, the complement: SLC4A11 is on the minus strand). VCF-style: chr20-3230589-C-T. GRCh37 (hg19) VCF-style: chr20-3211235-C-T.
Other names: p.Thr463=; c.1470G>A, p.Thr490= (NM_001174090.2); c.1227G>A, p.Thr409= (NM_001363745.2); c.1389G>A, p.Thr463= (NM_032034.4).
Identifiers: ClinVar variation 261996 (VCV000261996.23), dbSNP rs6084312, ClinGen allele CA9741879.

ClinVar aggregate classification (germline): Benign. Review status: criteria provided, multiple submitters, no conflicts (2 of 4 stars). 8 submissions from 7 submitters: Benign (7). 1 of the submissions does not count toward it. Last evaluated 2026-02-04.

Conditions:
Corneal dystrophy. Identifiers: Orphanet 34533, MedGen C0010036, MONDO:0018102, HP:0001131.
Corneal dystrophy-perceptive deafness syndrome (CDPD). Also called: CORNEAL DYSTROPHY AND SENSORINEURAL DEAFNESS; HARBOYAN SYNDROME. Identifiers: Orphanet 1490, MedGen C1857572, MONDO:0009015, OMIM 217400.
Congenital hereditary endothelial dystrophy of cornea. Also called: Corneal endothelial dystrophy, autosomal recessive; Congenital hereditary endothelial dystrophy of the cornea; Maumenee corneal dystrophy; CORNEAL DYSTROPHY, CONGENITAL HEREDITARY ENDOTHELIAL; Congenital hereditary endothelial dystrophy type II. Identifiers: Orphanet 293603, MedGen C1857569, MONDO:0009019, OMIM 217700.

Allele frequency attached by ClinVar (database versions not stated): TOPMed 0.07987; ESP Exome Variant Server 0.09080; gnomAD exomes 0.10562 and 0.08642; gnomAD 0.08460 and 0.08722; 1000 Genomes Project 0.04513; 1000 Genomes Project 30x 0.04685; ExAC 0.08513.

Submissions (8):

Labcorp Genetics (formerly Invitae), Labcorp
Classification: Benign. Last evaluated: 2026-02-04. Review status: criteria provided, single submitter. Criteria: Invitae Variant Classification Sherloc (09022015). Collection method: clinical testing. Allele origin: germline.

Mayo Clinic Laboratories, Mayo Clinic
Classification: Benign. Last evaluated: 2022-11-10. Review status: criteria provided, single submitter. Criteria: ACMG Guidelines, 2015. Collection method: clinical testing. Allele origin: germline. Observed: 9 variant alleles.

Genome-Nilou Lab
Classification: Benign for Corneal dystrophy-perceptive deafness syndrome. Last evaluated: 2021-07-10. Review status: criteria provided, single submitter. Criteria: ACMG Guidelines, 2015. Collection method: clinical testing. Allele origin: germline. Affected: no.

Genome-Nilou Lab
Classification: Benign for Congenital hereditary endothelial dystrophy of cornea. Last evaluated: 2021-07-10. Review status: criteria provided, single submitter. Criteria: ACMG Guidelines, 2015. Collection method: clinical testing. Allele origin: germline. Affected: no.

Illumina Laboratory Services, Illumina
Classification: Benign for Corneal dystrophy. Last evaluated: 2018-01-12. Review status: criteria provided, single submitter. Criteria: ICSL Variant Classification Criteria 13 December 2019. Collection method: clinical testing. Allele origin: germline.
Comment: This variant was observed in the ICSL laboratory as part of a predisposition screen in an ostensibly healthy population. It had not been previously curated by ICSL or reported in the Human Gene Mutation Database (HGMD: prior to June 1st, 2018), and was therefore a candidate for classification through an automated scoring system. Utilizing variant allele frequency, disease prevalence and penetrance estimates, and inheritance mode, an automated score was calculated to assess if this variant is too frequent to cause the disease. Based on the score and internal cut-off values, a variant classified as benign is not then subjected to further curation. The score for this variant resulted in a classification of benign for this disease.

Breakthrough Genomics
Classification: Benign. Review status: criteria provided, single submitter. Criteria: ACMG Guidelines, 2015. Collection method: not provided. Allele origin: germline. Inheritance: Autosomal recessive inheritance. Affected: yes.

PreventionGenetics, part of Exact Sciences
Classification: Benign. Review status: criteria provided, single submitter. Criteria: ACMG Guidelines, 2015. Collection method: clinical testing. Allele origin: germline.

Natera, Inc.
Classification: Benign for Corneal dystrophy-perceptive deafness syndrome. Last evaluated: 2019-11-21. Review status: no assertion criteria provided. Collection method: clinical testing. Allele origin: germline. Not counted in ClinVar's aggregate classification.